The following is an entry in ClinVar:

ClinVar aggregate classification (germline): Uncertain significance (1 of 4 stars; one submission).

Allele frequency attached by ClinVar (database versions not stated): gnomAD 0.00001; gnomAD exomes 0.00002.
gnomAD v4.1: 35 of 1,611,552 alleles (0.0022%); highest among the groups gnomAD compares: Non-Finnish European, 0.0029%; no homozygotes.

Submission:

Labcorp Genetics (formerly Invitae), Labcorp
Classification: Uncertain significance. Last evaluated: 2022-07-30. Review status: criteria provided, single submitter. Criteria: Invitae Variant Classification Sherloc (09022015). Collection method: clinical testing. Allele origin: germline.
Comment: This sequence change replaces tyrosine, which is neutral and polar, with asparagine, which is neutral and polar, at codon 2644 of the ASPM protein (p.Tyr2644Asn). This variant is present in population databases (no rsID available, gnomAD 0.002%). This variant has not been reported in the literature in individuals affected with ASPM-related conditions. Algorithms developed to predict the effect of missense changes on protein structure and function output the following: SIFT: "Deleterious"; PolyPhen-2: "Benign"; Align-GVGD: "Class C0". The asparagine amino acid residue is found in multiple mammalian species, which suggests that this missense change does not adversely affect protein function. In summary, the available evidence is currently insufficient to determine the role of this variant in disease. Therefore, it has been classified as a Variant of Uncertain Significance.

NM_018136.5(ASPM):c.7930T>A (p.Tyr2644Asn)

Gene: ASPM (assembly factor for spindle microtubules; minus strand). Cytogenetic location: 1q31.3.
Variant type: single nucleotide variant.
Coding change: c.7930T>A on transcript NM_018136.5 (MANE Select); coding-DNA position 7930, T replaced by A.
Protein change: p.Tyr2644Asn; replaces tyrosine 2644 with asparagine.
Molecular consequence: missense variant. On other transcripts: intron variant (1).
Genome position (GRCh38, 1-based): chr1:197,101,321, A>T on the plus strand (T>A on the coding strand, the complement: ASPM is on the minus strand). VCF-style: chr1-197101321-A-T. GRCh37 (hg19) VCF-style: chr1-197070451-A-T.
Other names: c.4066-5157T>A (NM_001206846.2); short protein forms Y2644N.
Identifiers: ClinVar variation 1974037 (VCV001974037.5), dbSNP rs1350051548, ClinGen allele CA344014630.
Genomic context (GRCh38, chr1:197,101,321, plus strand): 5'-CTGCAGTTAGTTTTCTGTATCTTCTTTGAATAGAAACTACTGTTGCTCTAAGGTGGAGAT[A>T]ATGCTTCCTTATTTTAAAGGCTTTACAATGCTTCTGAATAATAATGGCAGCCTGGTGCTG-3'
Protein context (NP_060606.3, residues 2634-2654): HCKAFKIRKH[Tyr2644Asn]LHLRATVVSI